The following is an entry in ClinVar:

ClinVar aggregate classification (germline): Uncertain significance (1 of 4 stars; one submission).

Conditions:
Moyamoya disease 7 (MYMY7). Identifiers: MedGen C5882748, MONDO:0958202, OMIM 620687.
Intestinal dysmotility syndrome (IDMTS). Identifiers: MedGen C5774219, MONDO:0859289, OMIM 620045.

Submission:

Juno Genomics, Hangzhou Juno Genomics, Inc
Classification: Uncertain significance for Moyamoya disease 7; Intestinal dysmotility syndrome. Review status: criteria provided, single submitter. Criteria: ACMG Guidelines, 2015. Collection method: clinical testing. Allele origin: germline.
Comment: Absent from controls (or at extremely low frequency if recessive) in Genome Aggregation Database.;Multiple lines of computational evidence support a deleterious effect on the gene or gene product.

NM_018043.7(ANO1):c.1907C>G (p.Pro636Arg)

Gene: ANO1 (anoctamin 1; plus strand). Cytogenetic location: 11q13.3.
Variant type: single nucleotide variant.
Coding change: c.1907C>G on transcript NM_018043.7 (MANE Select); coding-DNA position 1907, C replaced by G.
Protein change: p.Pro636Arg; replaces proline 636 with arginine.
Molecular consequence: missense variant. On other transcripts: non-coding transcript variant (1).
Genome position (GRCh38, 1-based): chr11:70,163,297, C>G. VCF-style: chr11-70163297-C-G. GRCh37 (hg19) VCF-style: chr11-70009403-C-G.
Other names: c.2096C>G, p.Pro699Arg (NM_001378092.1); c.1895C>G, p.Pro632Arg (NM_001378093.1, NM_001378094.2, NM_001378095.2); c.1817C>G, p.Pro606Arg (NM_001378096.2); c.1730C>G, p.Pro577Arg (NM_001378097.2); short protein forms P606R, P632R, P699R, P636R, P577R.
Identifiers: ClinVar variation 5004968 (VCV005004968.2).